The following is an entry in ClinVar:

NM_001267550.2(TTN):c.26483-7A>C

Gene: TTN (titin; minus strand). Cytogenetic location: 2q31.2.
Variant type: single nucleotide variant.
Coding change: c.26483-7A>C on transcript NM_001267550.2 (MANE Select); 7 bases into the intron before coding-DNA position 26483, A replaced by C.
Molecular consequence: intron variant.
Genome position (GRCh38, 1-based): chr2:178,714,182, T>G on the plus strand (A>C on the coding strand, the complement: TTN is on the minus strand). VCF-style: chr2-178714182-T-G. GRCh37 (hg19) VCF-style: chr2-179578909-T-G.
Other names: c.13282+23900A>C (NM_003319.4); c.13858+23900A>C (NM_133437.4); c.13657+23900A>C (NM_133432.3); c.22751-7A>C (NM_133378.4); c.25532-7A>C (NM_001256850.1).
Identifiers: ClinVar variation 392676 (VCV000392676.1), dbSNP rs1057524590, ClinGen allele CA16604038.
Genomic context (GRCh38, chr2:178,714,182, plus strand): 5'-TGTCTCCCGTGGTAACTTTTATGGATTCTGGCTTTTCTACAATTGTTGCAGGCTCTGGAA[T>G]GAAATGTAAAAGATATCCATATTTTAAACTCAAATTGAAAAACTAAAGAAAATACAGATC-3'

ClinVar aggregate classification (germline): Likely benign (1 of 4 stars; one submission).

Submission:

GeneDx
Classification: Likely benign. Last evaluated: 2017-01-11. Review status: criteria provided, single submitter. Criteria: GeneDx Variant Classification (06012015). Collection method: clinical testing. Allele origin: germline. Affected: yes.
Comment: This variant is considered likely benign or benign based on one or more of the following criteria: it is a conservative change, it occurs at a poorly conserved position in the protein, it is predicted to be benign by multiple in silico algorithms, and/or has population frequency not consistent with disease.